The following is an entry in ClinVar:

ClinVar aggregate classification (germline): Uncertain significance (1 of 4 stars; one submission).

Conditions:
CHARGE syndrome (CHARGE). Also called: Hittner Hirsch Kreh syndrome; CHARGE ASSOCIATION--COLOBOMA, HEART ANOMALY, CHOANAL ATRESIA, RETARDATION, GENITAL AND EAR ANOMALIES; Coloboma, heart anomaly, choanal atresia, retardation, genital and ear anomalies; CHARGE association; Hall-Hittner syndrome. Identifiers: Orphanet 138, MedGen C0265354, MONDO:0008965.

gnomAD v4.1: 1 of 1,613,984 alleles (0.000062%); highest among the groups gnomAD compares: South Asian, 0.0011%; no homozygotes.

Submission:

Labcorp Genetics (formerly Invitae), Labcorp
Classification: Uncertain significance for CHARGE syndrome. Last evaluated: 2025-04-09. Review status: criteria provided, single submitter. Criteria: Invitae Variant Classification Sherloc (09022015). Collection method: clinical testing. Allele origin: germline.
Comment: This sequence change replaces alanine, which is neutral and non-polar, with threonine, which is neutral and polar, at codon 350 of the CHD7 protein (p.Ala350Thr). This variant is not present in population databases (gnomAD no frequency). This variant has not been reported in the literature in individuals affected with CHD7-related conditions. Invitae Evidence Modeling of protein sequence and biophysical properties (such as structural, functional, and spatial information, amino acid conservation, physicochemical variation, residue mobility, and thermodynamic stability) indicates that this missense variant is not expected to disrupt CHD7 protein function with a negative predictive value of 95%. In summary, the available evidence is currently insufficient to determine the role of this variant in disease. Therefore, it has been classified as a Variant of Uncertain Significance.

NM_017780.4(CHD7):c.1048G>A (p.Ala350Thr)

Gene: CHD7 (chromodomain helicase DNA binding protein 7; plus strand). Cytogenetic location: 8q12.2.
Variant type: single nucleotide variant.
Coding change: c.1048G>A on transcript NM_017780.4 (MANE Select); coding-DNA position 1048, G replaced by A.
Protein change: p.Ala350Thr; replaces alanine 350 with threonine.
Molecular consequence: missense variant.
Genome position (GRCh38, 1-based): chr8:60,742,480, G>A. VCF-style: chr8-60742480-G-A. GRCh37 (hg19) VCF-style: chr8-61655039-G-A.
Other names: c.1048G>A, p.Ala350Thr (NM_001316690.1); short protein forms A350T.
Identifiers: ClinVar variation 4702332 (VCV004702332.1).